The following is an entry in ClinVar:

NM_000214.3(JAG1):c.2223del (p.Asn741fs)

Gene: JAG1 (jagged canonical Notch ligand 1; minus strand). Cytogenetic location: 20p12.2.
Variant type: Deletion.
Coding change: c.2223del on transcript NM_000214.3 (MANE Select); coding-DNA position 2223, one base deleted (C; older notation c.2223delC).
Protein change: p.Asn741fs; shifts the reading frame from asparagine 741.
Molecular consequence: frameshift variant.
Genome position (GRCh38, 1-based): chr20:10,645,147, G deleted on the plus strand (C on the coding strand, the reverse complement: JAG1 is on the minus strand). VCF-style (leftmost placement, unchanged base first): chr20-10645146-TG-T. GRCh37 (hg19) VCF-style: chr20-10625794-TG-T.
Other names: short protein forms N741fs.
Identifiers: ClinVar variation 4999524 (VCV004999524.1).

ClinVar aggregate classification (germline): Likely pathogenic (1 of 4 stars; one submission).

Conditions:
JAG1-related disorder. Also called: JAG1-related condition; JAG1-related disorders.

Submission:

PreventionGenetics, part of Exact Sciences
Classification: Likely pathogenic for JAG1-related condition. Last evaluated: 2024-12-23. Review status: criteria provided, single submitter. Criteria: ACMG Guidelines, 2015. Collection method: clinical testing. Allele origin: germline.
Comment: The JAG1 c.2223delC variant is predicted to result in a frameshift and premature protein termination (p.Asn741Lysfs*2). To our knowledge, this variant has not been reported in the literature or in a large population database (gnomAD), indicating this variant is rare. Frameshift variants in JAG1 are expected to be pathogenic. This variant is interpreted as likely pathogenic.